The following is an entry in ClinVar:

NM_016030.6(TRAPPC12):c.2039T>C (p.Met680Thr)

Genes: TRAPPC12 (trafficking protein particle complex subunit 12; plus strand), TRAPPC12-AS1 (TRAPPC12 antisense RNA 1; minus strand). Cytogenetic location: 2p25.3.
Variant type: single nucleotide variant.
Coding change: c.2039T>C on transcript NM_016030.6 (MANE Select); coding-DNA position 2039, T replaced by C.
Protein change: p.Met680Thr; replaces methionine 680 with threonine.
Molecular consequence: missense variant. On other transcripts: non-coding transcript variant (1).
Genome position (GRCh38, 1-based): chr2:3,479,292, T>C. VCF-style: chr2-3479292-T-C. GRCh37 (hg19) VCF-style: chr2-3483063-T-C.
Other names: c.2039T>C, p.Met680Thr (NM_001321102.2); short protein forms M680T.
Identifiers: ClinVar variation 2503263 (VCV002503263.1), dbSNP rs751036363, ClinGen allele CA1515761.

ClinVar aggregate classification (germline): Uncertain significance (1 of 4 stars; one submission).

Allele frequency attached by ClinVar (database versions not stated): gnomAD exomes below 0.00001; ExAC 0.00001.
gnomAD v4.1: 1 of 1,614,162 alleles (0.000062%); highest among the groups gnomAD compares: Admixed American, 0.0017%; no homozygotes.

Submission:

GeneDx
Classification: Uncertain significance. Last evaluated: 2022-11-29. Review status: criteria provided, single submitter. Criteria: GeneDx Variant Classification Process June 2021. Collection method: clinical testing. Allele origin: germline. Affected: yes.
Comment: Not observed at significant frequency in large population cohorts (gnomAD); In silico analysis supports that this missense variant has a deleterious effect on protein structure/function; Has not been previously published as pathogenic or benign to our knowledge